The following is an entry in ClinVar:

ClinVar aggregate classification (germline): Uncertain significance (1 of 4 stars; one submission).

gnomAD v4.1: 1 of 1,512,370 alleles (0.000066%); highest among the groups gnomAD compares: Non-Finnish European, 0.000092%; no homozygotes.

Submission:

GeneDx
Classification: Uncertain significance. Last evaluated: 2024-05-17. Review status: criteria provided, single submitter. Criteria: GeneDx Variant Classification Process June 2021. Collection method: clinical testing. Allele origin: germline. Affected: yes.
Comment: Has not been previously published as pathogenic or benign to our knowledge; Canonical splice site variant in a gene or region of a gene for which loss of function is not a well-established mechanism of disease; Not observed at significant frequency in large population cohorts (gnomAD)

NM_001046.3(SLC12A2):c.1408+2T>G

Gene: SLC12A2 (solute carrier family 12 member 2; plus strand). Cytogenetic location: 5q23.3.
Variant type: single nucleotide variant.
Coding change: c.1408+2T>G on transcript NM_001046.3 (MANE Select); the canonical splice donor site of the intron after coding-DNA position 1408, T replaced by G.
Molecular consequence: splice donor variant.
Genome position (GRCh38, 1-based): chr5:128,135,810, T>G. VCF-style: chr5-128135810-T-G. GRCh37 (hg19) VCF-style: chr5-127471502-T-G.
Other names: c.1408+2T>G (NM_001256461.2).
Identifiers: ClinVar variation 3377877 (VCV003377877.1).